The following is an entry in ClinVar:

ClinVar aggregate classification (germline): Uncertain significance (1 of 4 stars; one submission).

Submission:

Dasa
Classification: Uncertain significance. Last evaluated: 2025-08-18. Review status: criteria provided, single submitter. Criteria: DASA Assertion Criteria. Collection method: clinical testing. Allele origin: germline.
Comment: NM_015425.6(POLR1A):c.55A>T (p.Met19Leu) is a missense variant that results in the substitution of methionine with leucine. This variant is absent from population databases. Computational prediction algorithms are consistent with a benign effect. The currently available literature and clinical evidence are not sufficient to establish a definitive association between this variant and the reported condition. Therefore, this variant is classified as a variant of uncertain significance.

NM_015425.6(POLR1A):c.55A>T (p.Met19Leu)

Genes: POLR1A (RNA polymerase I subunit A; minus strand), LOC129934243 (ATAC-STARR-seq lymphoblastoid active region 16153; plus strand). Cytogenetic location: 2p11.2.
Variant type: single nucleotide variant.
Coding change: c.55A>T on transcript NM_015425.6 (MANE Select); coding-DNA position 55, A replaced by T.
Protein change: p.Met19Leu; replaces methionine 19 with leucine.
Molecular consequence: missense variant.
Genome position (GRCh38, 1-based): chr2:86,105,722, T>A on the plus strand (A>T on the coding strand, the complement: POLR1A is on the minus strand). VCF-style: chr2-86105722-T-A. GRCh37 (hg19) VCF-style: chr2-86332845-T-A.
Other names: short protein forms M19L.
Identifiers: ClinVar variation 4885385 (VCV004885385.2).